The following is an entry in ClinVar:

NM_021975.4(RELA):c.644T>C (p.Leu215Pro)

Gene: RELA (RELA proto-oncogene, NF-kB subunit; minus strand). Cytogenetic location: 11q13.1.
Variant type: single nucleotide variant.
Coding change: c.644T>C on transcript NM_021975.4 (MANE Select); coding-DNA position 644, T replaced by C.
Protein change: p.Leu215Pro; replaces leucine 215 with proline.
Molecular consequence: missense variant. On other transcripts: intron variant (1).
Genome position (GRCh38, 1-based): chr11:65,658,738, A>G on the plus strand (T>C on the coding strand, the complement: RELA is on the minus strand). VCF-style: chr11-65658738-A-G. GRCh37 (hg19) VCF-style: chr11-65426209-A-G.
Other names: c.644T>C, p.Leu215Pro (NM_001243984.2, NM_001243985.2, NM_001404659.1); c.677T>C, p.Leu226Pro (NM_001404657.1); c.617T>C, p.Leu206Pro (NM_001404658.1); c.263T>C, p.Leu88Pro (NM_001404661.1); c.551T>C, p.Leu184Pro (NM_001404662.1, NM_001404663.1); c.559+928T>C (NM_001404660.1); c.635T>C, p.Leu212Pro (NM_001145138.2); short protein forms L184P, L206P, L88P, L212P, L215P, L226P.
Identifiers: ClinVar variation 4777257 (VCV004777257.1).
Genomic context (GRCh38, chr11:65,658,738, plus strand): 5'-CCTTGCTCCCAAGAGCCCACCCCTGCCTCCTGATGTATACCTTTCTGCACCTTGTCACAC[A>G]GTAGGAAGATCTCATCCCCACCGAGGCAGCTGCCAGAGTTTCGGTTCACTCGGCAGATCT-3'
Protein context (NP_068810.3, residues 205-225): SCLGGDEIFL[Leu215Pro]CDKVQKEDIE

ClinVar aggregate classification (germline): Uncertain significance (1 of 4 stars; one submission).

Submission:

Labcorp Genetics (formerly Invitae), Labcorp
Classification: Uncertain significance. Last evaluated: 2025-10-26. Review status: criteria provided, single submitter. Criteria: Invitae Variant Classification Sherloc (09022015). Collection method: clinical testing. Allele origin: germline.
Comment: This sequence change replaces leucine, which is neutral and non-polar, with proline, which is neutral and non-polar, at codon 215 of the RELA protein (p.Leu215Pro). This variant is not present in population databases (gnomAD no frequency). This variant has not been reported in the literature in individuals affected with RELA-related conditions. An algorithm developed to predict the effect of missense changes on protein structure and function (PolyPhen-2) suggests that this variant is likely to be disruptive. In summary, the available evidence is currently insufficient to determine the role of this variant in disease. Therefore, it has been classified as a Variant of Uncertain Significance.